The following is an entry in ClinVar:

NM_005006.7(NDUFS1):c.1070del (p.Leu357fs)

Gene: NDUFS1 (NADH:ubiquinone oxidoreductase core subunit S1; minus strand). Cytogenetic location: 2q33.3.
Variant type: Deletion.
Coding change: c.1070del on transcript NM_005006.7 (MANE Select); coding-DNA position 1070, one base deleted (T; older notation c.1070delT).
Protein change: p.Leu357fs; shifts the reading frame from leucine 357.
Molecular consequence: frameshift variant.
Genome position (GRCh38, 1-based): chr2:206,142,749, A deleted on the plus strand (T on the coding strand, the reverse complement: NDUFS1 is on the minus strand); the first of 3 consecutive A bases (chr2:206,142,749-206,142,751); deleting any one gives the same sequence. VCF-style (leftmost placement, unchanged base first): chr2-206142748-CA-C. GRCh37 (hg19) VCF-style: chr2-207007472-CA-C.
Other names: c.962del, p.Leu321fs (NM_001199981.2); c.737del, p.Leu246fs (NM_001199982.2); c.899del, p.Leu300fs (NM_001199983.2); c.1112del, p.Leu371fs (NM_001199984.2); short protein forms L246fs, L300fs, L371fs, L357fs, L321fs.
Identifiers: ClinVar variation 1453980 (VCV001453980.6), dbSNP rs2105968169, ClinGen allele CA2573134365.

ClinVar aggregate classification (germline): Pathogenic (1 of 4 stars; one submission).

Submission:

Labcorp Genetics (formerly Invitae), Labcorp
Classification: Pathogenic. Last evaluated: 2025-10-12. Review status: criteria provided, single submitter. Criteria: Invitae Variant Classification Sherloc (09022015). Collection method: clinical testing. Allele origin: germline.
Comment: This sequence change creates a premature translational stop signal (p.Leu357Cysfs*71) in the NDUFS1 gene. It is expected to result in an absent or disrupted protein product. Loss-of-function variants in NDUFS1 are known to be pathogenic (PMID: 11349233, 22200994). This variant is not present in population databases (gnomAD no frequency). This variant has not been reported in the literature in individuals affected with NDUFS1-related conditions. ClinVar contains an entry for this variant (Variation ID: 1453980). For these reasons, this variant has been classified as Pathogenic.

Literature cited by the submitters: PubMed 11349233; PubMed 22200994.